The following is an entry in ClinVar:

ClinVar aggregate classification (germline): Uncertain significance (1 of 4 stars; one submission).

Submission:

Ambry Genetics
Classification: Uncertain significance. Last evaluated: 2026-02-28. Review status: criteria provided, single submitter. Criteria: Ambry Variant Classification Scheme 2023. Collection method: clinical testing. Allele origin: germline.
Comment: The c.622G>A (p.G208R) alteration is located in exon 1 (coding exon 1) of the OR2A2 gene. This alteration results from a G to A substitution at nucleotide position 622, causing the glycine (G) at amino acid position 208 to be replaced by an arginine (R). Based on data from gnomAD, the A allele has an overall frequency of 0.005% (13/280494) total alleles studied. The highest observed frequency was 0.051% (10/19576) of East Asian alleles. Based on insufficient or conflicting evidence, the clinical significance of this alteration remains unclear.

NM_001005480.2(OR2A2):c.622G>A (p.Gly208Arg)

Gene: OR2A2 (olfactory receptor family 2 subfamily A member 2; plus strand). Cytogenetic location: 7q35.
Variant type: single nucleotide variant.
Coding change: c.622G>A on transcript NM_001005480.2 (MANE Select); coding-DNA position 622, G replaced by A.
Protein change: p.Gly208Arg; replaces glycine 208 with arginine.
Molecular consequence: missense variant.
Genome position (GRCh38, 1-based): chr7:144,110,204, G>A. VCF-style: chr7-144110204-G-A. GRCh37 (hg19) VCF-style: chr7-143807297-G-A.
Other names: short protein forms G208R.
Identifiers: ClinVar variation 4830994 (VCV004830994.1).